The following is an entry in ClinVar:

NM_002230.4(JUP):c.*2C>T

Gene: JUP (junction plakoglobin; minus strand). Cytogenetic location: 17q21.2.
Variant type: single nucleotide variant.
Coding change: c.*2C>T on transcript NM_002230.4 (MANE Select); 2 bases downstream of the stop codon, C replaced by T.
Molecular consequence: 3 prime UTR variant.
Genome position (GRCh38, 1-based): chr17:41,755,742, G>A on the plus strand (C>T on the coding strand, the complement: JUP is on the minus strand). VCF-style: chr17-41755742-G-A. GRCh37 (hg19) VCF-style: chr17-39911994-G-A.
Other names: c.*2C>T (NM_001352773.2, NM_001352774.2, NM_001352775.2 and 3 more transcripts).
Identifiers: ClinVar variation 163706 (VCV000163706.18), dbSNP rs112879398, ClinGen allele CA176373.
Genomic context (GRCh38, chr17:41,755,742, plus strand): 5'-GAAGGAGGTTCTAGAGAGGAGGAAAAGCCTGCAAAGAGGGGGCCGTACTGGGGCCAGGCC[G>A]CCTAGGCCAGCATGTGGTCTGCAGTGGGGTACGGGGGCCTGAGGCCGTCGCTGTAGGTGT-3'

ClinVar aggregate classification (germline): Conflicting classifications of pathogenicity. Review status: criteria provided, conflicting classifications (1 of 4 stars). 9 submissions from 8 submitters: Uncertain significance (1); Benign (4); Likely benign (2). 2 of the submissions do not count toward it. Last evaluated 2024-03-15.

Conditions:
Cardiovascular phenotype. Identifiers: MedGen CN230736.
Cardiomyopathy (CMYO). Also called: Cardiomyopathies. Identifiers: Orphanet 167848, MedGen C0878544, MONDO:0004994, HP:0001638. Inheritance: Various modes of inheritance.
Naxos disease (NXD). Also called: KERATOSIS PALMOPLANTARIS WITH ARRHYTHMOGENIC CARDIOMYOPATHY; MAL DE NAXOS; PALMOPLANTAR KERATODERMA WITH ARRHYTHMOGENIC RIGHT VENTRICULAR CARDIOMYOPATHY AND WOOLLY HAIR; WOOLLY HAIR, PALMOPLANTAR KERATODERMA, AND CARDIAC ABNORMALITIES; CARDIOMYOPATHY, ARRHYTHMOGENIC RIGHT VENTRICULAR, WITH SKIN, HAIR, AND NAIL ABNORMALITIES. Identifiers: Orphanet 34217, MedGen C1832600, MONDO:0011017, OMIM 601214.
Arrhythmogenic right ventricular dysplasia 12. Also called: ARRHYTHMOGENIC RIGHT VENTRICULAR DYSPLASIA, FAMILIAL, 12. Identifiers: MedGen C1969081, MONDO:0012684, OMIM 611528.

Allele frequency attached by ClinVar (database versions not stated): gnomAD exomes 0.00056 and 0.00164; ExAC 0.00200; gnomAD 0.00590 and 0.00630; 1000 Genomes Project 0.00639; TOPMed 0.00667; 1000 Genomes Project 30x 0.00671; ESP Exome Variant Server 0.00684.
gnomAD v4.1: 1,739 of 1,578,494 alleles (0.11%); highest among the groups gnomAD compares: African/African-American, 2.1%; 21 homozygotes.

Submissions (9):

Mayo Clinic Laboratories, Mayo Clinic
Classification: Likely benign. Last evaluated: 2024-03-15. Review status: criteria provided, single submitter. Criteria: ACMG Guidelines, 2015. Collection method: clinical testing. Allele origin: germline. Observed: 10 variant alleles.

Illumina Laboratory Services, Illumina
Classification: Uncertain significance for Naxos disease. Last evaluated: 2018-01-12. Review status: criteria provided, single submitter. Criteria: ICSL Variant Classification Criteria 13 December 2019. Collection method: clinical testing. Allele origin: germline.

Illumina Laboratory Services, Illumina
Classification: Likely benign for Arrhythmogenic right ventricular dysplasia 12. Last evaluated: 2018-01-12. Review status: criteria provided, single submitter. Criteria: ICSL Variant Classification Criteria 13 December 2019. Collection method: clinical testing. Allele origin: germline.
Comment: This variant was observed in the ICSL laboratory as part of a predisposition screen in an ostensibly healthy population. It had not been previously curated by ICSL or reported in the Human Gene Mutation Database (HGMD: prior to June 1st, 2018), and was therefore a candidate for classification through an automated scoring system. Utilizing variant allele frequency, disease prevalence and penetrance estimates, and inheritance mode, an automated score was calculated to assess if this variant is too frequent to cause the disease. Based on the score and internal cut-off values, a variant classified as likely benign is not then subjected to further curation. The score for this variant resulted in a classification of likely benign for this disease.

CHEO Genetics Diagnostic Laboratory, Children's Hospital of Eastern Ontario
Classification: Benign for Cardiomyopathy. Last evaluated: 2016-10-12. Review status: criteria provided, single submitter. Criteria: ACMG Guidelines, 2015. Collection method: clinical testing. Allele origin: germline. Study: Canadian Open Genetics Repository.

Ambry Genetics
Classification: Benign for Cardiovascular phenotype. Last evaluated: 2016-02-02. Review status: criteria provided, single submitter. Criteria: Ambry Variant Classification Scheme 2023. Collection method: clinical testing. Allele origin: germline.

GeneDx
Classification: Benign. Last evaluated: 2013-06-21. Review status: criteria provided, single submitter. Criteria: GeneDx Variant Classification (06012015). Collection method: clinical testing. Allele origin: germline. Affected: yes.
Comment: This variant is considered likely benign or benign based on one or more of the following criteria: it is a conservative change, it occurs at a poorly conserved position in the protein, it is predicted to be benign by multiple in silico algorithms, and/or has population frequency not consistent with disease.

Laboratory for Molecular Medicine, Mass General Brigham Personalized Medicine
Classification: Benign. Last evaluated: 2012-03-19. Review status: criteria provided, single submitter. Criteria: LMM Criteria. Collection method: clinical testing. Allele origin: germline. Observed: 10 variant alleles.
Comment: c.*2C>T in Exon 14 of JUP: This variant is not expected to have clinical signifi cance because it has been identified in 2.1% (80/3738) of African American chrom osomes from a broad population by the NHLBI Exome Sequencing Project (.; dbSNP rs112879398).

Clinical Genetics DNA and cytogenetics Diagnostics Lab, Erasmus MC, Erasmus Medical Center
Classification: Benign. Review status: no assertion criteria provided. Collection method: clinical testing. Allele origin: germline. Affected: yes. Study: VKGL Data-share Consensus. Not counted in ClinVar's aggregate classification.

Clinical Genetics, Academic Medical Center
Classification: Benign. Review status: no assertion criteria provided. Collection method: clinical testing. Allele origin: germline. Affected: yes. Study: VKGL Data-share Consensus. Not counted in ClinVar's aggregate classification.